The following is an entry in ClinVar:

ClinVar aggregate classification (germline): Uncertain significance. Review status: criteria provided, multiple submitters, no conflicts (2 of 4 stars). 2 submissions from 2 submitters: Uncertain significance (2). Last evaluated 2025-12-08.

Allele frequency attached by ClinVar (database versions not stated): gnomAD 0.00001; gnomAD exomes 0.00001; TOPMed below 0.00001; ExAC 0.00001.
gnomAD v4.1: 10 of 1,585,602 alleles (0.00063%); highest among the groups gnomAD compares: Non-Finnish European, 0.00086%; 1 homozygote.

Submissions (2):

Labcorp Genetics (formerly Invitae), Labcorp
Classification: Uncertain significance. Last evaluated: 2025-12-08. Review status: criteria provided, single submitter. Criteria: Invitae Variant Classification Sherloc (09022015). Collection method: clinical testing. Allele origin: germline.
Comment: This sequence change replaces alanine, which is neutral and non-polar, with threonine, which is neutral and polar, at codon 126 of the RUSC2 protein (p.Ala126Thr). This variant is present in population databases (rs776618476, gnomAD 0.001%). This variant has not been reported in the literature in individuals affected with RUSC2-related conditions. ClinVar contains an entry for this variant (Variation ID: 1387122). An algorithm developed to predict the effect of missense changes on protein structure and function outputs the following: PolyPhen-2: "Benign". The threonine amino acid residue is found in multiple mammalian species, which suggests that this missense change does not adversely affect protein function. In summary, the available evidence is currently insufficient to determine the role of this variant in disease. Therefore, it has been classified as a Variant of Uncertain Significance.

Ambry Genetics
Classification: Uncertain significance. Last evaluated: 2023-04-04. Review status: criteria provided, single submitter. Criteria: Ambry Variant Classification Scheme 2023. Collection method: clinical testing. Allele origin: germline.

NM_014806.5(RUSC2):c.376G>A (p.Ala126Thr)

Gene: RUSC2 (RUN and SH3 domain containing 2; plus strand). Cytogenetic location: 9p13.3.
Variant type: single nucleotide variant.
Coding change: c.376G>A on transcript NM_014806.5 (MANE Select); coding-DNA position 376, G replaced by A.
Protein change: p.Ala126Thr; replaces alanine 126 with threonine.
Molecular consequence: missense variant. On other transcripts: non-coding transcript variant (1), intron variant (1).
Genome position (GRCh38, 1-based): chr9:35,546,897, G>A. VCF-style: chr9-35546897-G-A. GRCh37 (hg19) VCF-style: chr9-35546894-G-A.
Other names: c.376G>A (NM_001135999.1); c.376G>A, p.Ala126Thr (NM_001135999.2); c.-620-8163G>A (NM_001330740.2); short protein forms A126T.
Identifiers: ClinVar variation 1387122 (VCV001387122.7), dbSNP rs776618476, ClinGen allele CA5043455.